The following is an entry in ClinVar:

NM_004380.3(CREBBP):c.3056C>G (p.Ser1019Cys)

Gene: CREBBP (CREB binding lysine acetyltransferase; minus strand). Cytogenetic location: 16p13.3.
Variant type: single nucleotide variant.
Coding change: c.3056C>G on transcript NM_004380.3 (MANE Select); coding-DNA position 3056, C replaced by G.
Protein change: p.Ser1019Cys; replaces serine 1019 with cysteine.
Molecular consequence: missense variant.
Genome position (GRCh38, 1-based): chr16:3,769,178, G>C on the plus strand (C>G on the coding strand, the complement: CREBBP is on the minus strand). VCF-style: chr16-3769178-G-C. GRCh37 (hg19) VCF-style: chr16-3819179-G-C.
Other names: c.2942C>G, p.Ser981Cys (NM_001079846.1); short protein forms S1019C, S981C.
Identifiers: ClinVar variation 3718711 (VCV003718711.2).

ClinVar aggregate classification (germline): Uncertain significance (1 of 4 stars; one submission).

Conditions:
Rubinstein-Taybi syndrome (RSTS). Identifiers: Orphanet 783, MedGen C0035934, MONDO:0019188.

Submission:

Labcorp Genetics (formerly Invitae), Labcorp
Classification: Uncertain significance for Rubinstein-Taybi syndrome. Last evaluated: 2024-03-13. Review status: criteria provided, single submitter. Criteria: Invitae Variant Classification Sherloc (09022015). Collection method: clinical testing. Allele origin: germline.
Comment: This sequence change replaces serine, which is neutral and polar, with cysteine, which is neutral and slightly polar, at codon 1019 of the CREBBP protein (p.Ser1019Cys). This variant is not present in population databases (gnomAD no frequency). This variant has not been reported in the literature in individuals affected with CREBBP-related conditions. Advanced modeling of protein sequence and biophysical properties (such as structural, functional, and spatial information, amino acid conservation, physicochemical variation, residue mobility, and thermodynamic stability) performed at Invitae indicates that this missense variant is not expected to disrupt CREBBP protein function with a negative predictive value of 95%. In summary, the available evidence is currently insufficient to determine the role of this variant in disease. Therefore, it has been classified as a Variant of Uncertain Significance.